The following is an entry in ClinVar:

NM_004380.3(CREBBP):c.7173G>A (p.Met2391Ile)

Gene: CREBBP (CREB binding lysine acetyltransferase; minus strand). Cytogenetic location: 16p13.3.
Variant type: single nucleotide variant.
Coding change: c.7173G>A on transcript NM_004380.3 (MANE Select); coding-DNA position 7173, G replaced by A.
Protein change: p.Met2391Ile; replaces methionine 2391 with isoleucine.
Molecular consequence: missense variant.
Genome position (GRCh38, 1-based): chr16:3,727,874, C>T on the plus strand (G>A on the coding strand, the complement: CREBBP is on the minus strand). VCF-style: chr16-3727874-C-T. GRCh37 (hg19) VCF-style: chr16-3777875-C-T.
Other names: c.7059G>A, p.Met2353Ile (NM_001079846.1); short protein forms M2391I, M2353I.
Identifiers: ClinVar variation 4993222 (VCV004993222.1).

ClinVar aggregate classification (germline): Uncertain significance (1 of 4 stars; one submission).

Conditions:
CREBBP-related disorder. Also called: CREBBP-related condition; CREBBP-related disorders.

gnomAD v4.1: 1 of 1,613,830 alleles (0.000062%); highest among the groups gnomAD compares: Non-Finnish European, 0.000085%; no homozygotes.

Submission:

PreventionGenetics, part of Exact Sciences
Classification: Uncertain significance for CREBBP-related condition. Last evaluated: 2026-08-04. Review status: criteria provided, single submitter. Criteria: ACMG Guidelines, 2015. Collection method: clinical testing. Allele origin: germline.
Comment: The CREBBP c.7173G>A variant is predicted to result in the amino acid substitution p.Met2391Ile. To our knowledge, this variant has not been reported in the literature or in a large population database (gnomAD), indicating this variant is rare. At this time, the clinical significance of this variant is uncertain due to the absence of conclusive functional and genetic evidence.